The following is an entry in ClinVar:

NM_000215.4(JAK3):c.28C>G (p.Leu10Val)

Gene: JAK3 (Janus kinase 3; minus strand). Cytogenetic location: 19p13.11.
Variant type: single nucleotide variant.
Coding change: c.28C>G on transcript NM_000215.4 (MANE Select); coding-DNA position 28, C replaced by G.
Protein change: p.Leu10Val; replaces leucine 10 with valine.
Molecular consequence: missense variant.
Genome position (GRCh38, 1-based): chr19:17,844,390, G>C on the plus strand (C>G on the coding strand, the complement: JAK3 is on the minus strand). VCF-style: chr19-17844390-G-C. GRCh37 (hg19) VCF-style: chr19-17955199-G-C.
Other names: short protein forms L10V.
Identifiers: ClinVar variation 532748 (VCV000532748.6), dbSNP rs1052019264, ClinGen allele CA306142625.

ClinVar aggregate classification (germline): Uncertain significance (1 of 4 stars; one submission).

Conditions:
T-B+ severe combined immunodeficiency due to JAK3 deficiency. Also called: SCID, T CELL-NEGATIVE, B CELL-POSITIVE, NK CELL-NEGATIVE; SCID, autosomal recessive, T-negative/B-positive type. Identifiers: Orphanet 35078, MedGen C1833275, MONDO:0010938, OMIM 600802.

Allele frequency attached by ClinVar (database versions not stated): gnomAD exomes below 0.00001; gnomAD 0.00001; TOPMed 0.00002.
gnomAD v4.1: 8 of 1,611,952 alleles (0.0005%); highest among the groups gnomAD compares: African/African-American, 0.0013%; no homozygotes.

Submission:

Labcorp Genetics (formerly Invitae), Labcorp
Classification: Uncertain significance for T-B+ severe combined immunodeficiency due to JAK3 deficiency. Last evaluated: 2022-02-05. Review status: criteria provided, single submitter. Criteria: Invitae Variant Classification Sherloc (09022015). Collection method: clinical testing. Allele origin: germline.
Comment: This sequence change replaces leucine, which is neutral and non-polar, with valine, which is neutral and non-polar, at codon 10 of the JAK3 protein (p.Leu10Val). This variant is not present in population databases (gnomAD no frequency). This variant has not been reported in the literature in individuals affected with JAK3-related conditions. ClinVar contains an entry for this variant (Variation ID: 532748). Advanced modeling of protein sequence and biophysical properties (such as structural, functional, and spatial information, amino acid conservation, physicochemical variation, residue mobility, and thermodynamic stability) performed at Invitae indicates that this missense variant is not expected to disrupt JAK3 protein function. In summary, the available evidence is currently insufficient to determine the role of this variant in disease. Therefore, it has been classified as a Variant of Uncertain Significance.